The following is an entry in ClinVar:

ClinVar aggregate classification (germline): Uncertain significance (1 of 4 stars; one submission).

Conditions:
Neuronal ceroid lipofuscinosis. Also called: Neuronal Ceroid Lipofuscinoses. Identifiers: Orphanet 216, Orphanet 79263, MedGen C0027877, MONDO:0016295. Disease mechanism: loss of function.

Submission:

Labcorp Genetics (formerly Invitae), Labcorp
Classification: Uncertain significance for Neuronal ceroid lipofuscinosis. Last evaluated: 2018-07-24. Review status: criteria provided, single submitter. Criteria: Invitae Variant Classification Sherloc (09022015). Collection method: clinical testing. Allele origin: germline.
Comment: This variant results in a copy number gain of the genomic region encompassing exons 15-16 of the CLN3 gene. The 5' boundary is likely confined to intron 14. The 3' end of this event is unknown as it extends beyond the assayed region for this gene and therefore may encompass additional genes. As the precise location of this event is unknown, it may be in tandem or it may be located elsewhere in the genome. This variant has not been reported in the literature in individuals with CLN3-related disease. In summary, the available evidence is currently insufficient to determine the role of this variant in disease. Therefore, it has been classified as a Variant of Uncertain Significance.

NC_000016.9:g.(?_28486664)_(28489218_?)dup

Gene: CLN3 (CLN3 lysosomal/endosomal transmembrane protein, battenin; minus strand). Cytogenetic location: 16p12.1.
Variant type: Duplication.
Identifiers: ClinVar variation 652953 (VCV000652953.1).